The following is an entry in ClinVar:

NM_001430.5(EPAS1):c.1637G>A (p.Cys546Tyr)

Gene: EPAS1 (endothelial PAS domain protein 1; plus strand). Cytogenetic location: 2p21.
Variant type: single nucleotide variant.
Coding change: c.1637G>A on transcript NM_001430.5 (MANE Select); coding-DNA position 1637, G replaced by A.
Protein change: p.Cys546Tyr; replaces cysteine 546 with tyrosine.
Molecular consequence: missense variant.
Genome position (GRCh38, 1-based): chr2:46,380,309, G>A. VCF-style: chr2-46380309-G-A. GRCh37 (hg19) VCF-style: chr2-46607448-G-A.
Other names: short protein forms C546Y.
Identifiers: ClinVar variation 2450322 (VCV002450322.2), dbSNP rs1462178632, ClinGen allele CA346704560.

ClinVar aggregate classification (germline): Uncertain significance (1 of 4 stars; one submission).

Conditions:
Inborn genetic diseases. Identifiers: MedGen C0950123, MeSH D030342.

Allele frequency attached by ClinVar (database versions not stated): gnomAD exomes 0.00001; TOPMed 0.00001.
gnomAD v4.1: 5 of 1,614,086 alleles (0.00031%); highest among the groups gnomAD compares: Non-Finnish European, 0.00042%; no homozygotes.

Submission:

Ambry Genetics
Classification: Uncertain significance for Inborn genetic diseases. Last evaluated: 2023-02-04. Review status: criteria provided, single submitter. Criteria: Ambry Variant Classification Scheme 2023. Collection method: clinical testing. Allele origin: germline.
Comment: The p.C546Y variant (also known as c.1637G>A), located in coding exon 12 of the EPAS1 gene, results from a G to A substitution at nucleotide position 1637. The cysteine at codon 546 is replaced by tyrosine, an amino acid with highly dissimilar properties. This amino acid position is conserved. In addition, the in silico prediction for this alteration is inconclusive. Since supporting evidence is limited at this time, the clinical significance of this alteration remains unclear.